The following is an entry in ClinVar:

NM_002085.5(GPX4):c.498C>T (p.Thr166=)

Gene: GPX4 (glutathione peroxidase 4; plus strand). Cytogenetic location: 19p13.3.
Variant type: single nucleotide variant.
Coding change: c.498C>T on transcript NM_002085.5 (MANE Select); coding-DNA position 498, C replaced by T.
Protein change: p.Thr166=; no amino-acid change (threonine 166 retained).
Molecular consequence: synonymous variant.
Genome position (GRCh38, 1-based): chr19:1,106,263, C>T. VCF-style: chr19-1106263-C-T. GRCh37 (hg19) VCF-style: chr19-1106262-C-T.
Other names: c.498C>T, p.Thr166= (NM_001039847.3); c.609C>T, p.Thr203= (NM_001039848.4); c.417C>T, p.Thr139= (NM_001367832.1).
Identifiers: ClinVar variation 783811 (VCV000783811.33), dbSNP rs14283, ClinGen allele CA9037417.

ClinVar aggregate classification (germline): Benign/Likely benign. Review status: criteria provided, multiple submitters, no conflicts (2 of 4 stars). 2 submissions from 2 submitters: Benign (1); Likely benign (1). Last evaluated 2026-02-01.

Allele frequency attached by ClinVar (database versions not stated): ExAC 0.00061; ESP Exome Variant Server 0.00155; gnomAD 0.00173 and 0.00185; TOPMed 0.00192; 1000 Genomes Project 30x 0.00234; 1000 Genomes Project 0.00260.
gnomAD v4.1: 568 of 1,599,268 alleles (0.036%); highest among the groups gnomAD compares: African/African-American, 0.58%; 1 homozygote.

Submissions (2):

Labcorp Genetics (formerly Invitae), Labcorp
Classification: Benign. Last evaluated: 2026-02-01. Review status: criteria provided, single submitter. Criteria: Invitae Variant Classification Sherloc (09022015). Collection method: clinical testing. Allele origin: germline.

CeGaT Center for Human Genetics Tuebingen
Classification: Likely benign. Last evaluated: 2022-05-01. Review status: criteria provided, single submitter. Criteria: CeGaT Center For Human Genetics Tuebingen Variant Classification Criteria Version 2. Collection method: clinical testing. Allele origin: germline. Affected: yes. Observed: 1 variant allele.
Comment: GPX4: BP4, BP7